The following is an entry in ClinVar:

NM_000382.3(ALDH3A2):c.804_807del (p.Phe268fs)

Gene: ALDH3A2 (aldehyde dehydrogenase 3 family member A2; plus strand). Cytogenetic location: 17p11.2.
Variant type: Deletion.
Coding change: c.804_807del on transcript NM_000382.3 (MANE Select); coding-DNA positions 804 to 807, 4 bases deleted (TTAT; older notation c.804_807delTTAT).
Protein change: p.Phe268fs; shifts the reading frame from phenylalanine 268.
Molecular consequence: frameshift variant.
Genome position (GRCh38, 1-based): chr17:19,661,132-19,661,135, TTAT deleted; deleting any 4 consecutive bases within chr17:19,661,131-19,661,135 gives the same sequence; the c. name uses the placement nearest the transcript's 3' end. VCF-style (leftmost placement, unchanged base first): chr17-19661130-TTTTA-T. GRCh37 (hg19) VCF-style: chr17-19564443-TTTTA-T.
Other names: c.804_807del, p.Phe268fs (NM_001031806.2, NM_001369136.1, NM_001369137.2 and 3 more transcripts); c.225_228del, p.Phe75fs (NM_001369148.2); short protein forms F268fs, F75fs.
Identifiers: ClinVar variation 4818281 (VCV004818281.2).

ClinVar aggregate classification (germline): Pathogenic/Likely pathogenic. Review status: criteria provided, multiple submitters, no conflicts (2 of 4 stars). 2 submissions from 2 submitters: Pathogenic (1); Likely pathogenic (1). Last evaluated 2025-10-15.

Conditions:
Sjögren-Larsson syndrome (SLS). Also called: FALDH DEFICIENCY; FATTY ALCOHOL:NAD+ OXIDOREDUCTASE DEFICIENCY; FATTY ALDEHYDE DEHYDROGENASE DEFICIENCY; ICHTHYOSIS, SPASTIC NEUROLOGIC DISORDER, AND OLIGOPHRENIA. Identifiers: Orphanet 816, MedGen C0037231, MONDO:0010031, OMIM 270200.

Submissions (2):

Myriad Genetics, Inc.
Classification: Pathogenic for Sjögren-Larsson syndrome. Last evaluated: 2025-10-15. Review status: criteria provided, single submitter. Criteria: Myriad Autosomal Dominant, Autosomal Recessive and X-Linked Classification Criteria (2023). Collection method: clinical testing. Allele origin: unknown.
Comment: NM_000382.2(ALDH3A2):c.804_807delTTAT(F268Lfs*5) is expected to be pathogenic in the context of Sjogren-Larsson syndrome. This variant is predicted to lead to an abnormal or absent protein product due to the creation of a premature termination codon in ALDH3A2, a gene where loss-of-function variants are known to be pathogenic. Please note: this variant was assessed in the context of healthy population screening.

Natera, Inc.
Classification: Likely pathogenic for Sjögren-Larsson syndrome. Last evaluated: 2025-09-25. Review status: criteria provided, single submitter. Criteria: Natera Variant Classification Schema (03/2026). Collection method: clinical testing. Allele origin: germline.
Comment: The c.804_807del variant in ALDH3A2 is a frameshift variant predicted to shift the reading frame beginning at codon 268 and leads to a stop codon 5 codons downstream. This variant is expected to result in nonsense mediated decay, truncation, or a dysfunctional protein product. This variant is rare in the general population with a frequency below the threshold expected for the associated phenotype(s). Given the available evidence, this variant is classified as Likely Pathogenic.